The following is an entry in ClinVar:

ClinVar aggregate classification (germline): Uncertain significance (1 of 4 stars; one submission).

Allele frequency attached by ClinVar (database versions not stated): TOPMed 0.00001.
gnomAD v4.1: 11 of 1,547,880 alleles (0.00071%); highest among the groups gnomAD compares: Non-Finnish European, 0.00087%; no homozygotes.

Submission:

GeneDx
Classification: Uncertain significance. Last evaluated: 2020-01-02. Review status: criteria provided, single submitter. Criteria: GeneDx Variant Classification Process June 2021. Collection method: clinical testing. Allele origin: germline. Affected: yes.
Comment: Has not been previously published as pathogenic or benign to our knowledge; Not observed at a significant frequency in large population cohorts (Lek et al., 2016); In silico analysis, which includes protein predictors and evolutionary conservation, supports that this variant does not alter protein structure/function

NM_001367624.2(ZNF469):c.2714C>T (p.Thr905Met)

Gene: ZNF469 (zinc finger protein 469; plus strand). Cytogenetic location: 16q24.2.
Variant type: single nucleotide variant.
Coding change: c.2714C>T on transcript NM_001367624.2 (MANE Select); coding-DNA position 2714, C replaced by T.
Protein change: p.Thr905Met; replaces threonine 905 with methionine.
Molecular consequence: missense variant.
Genome position (GRCh38, 1-based): chr16:88,430,184, C>T. VCF-style: chr16-88430184-C-T. GRCh37 (hg19) VCF-style: chr16-88496592-C-T.
Other names: NM_001127464.1:c.2714C>T; short protein forms T905M.
Identifiers: ClinVar variation 1311620 (VCV001311620.2), dbSNP rs1401154628, ClinGen allele CA397074973.